The following is an entry in ClinVar:

ClinVar aggregate classification (germline): Uncertain significance (1 of 4 stars; one submission).

Allele frequency attached by ClinVar (database versions not stated): gnomAD exomes below 0.00001.
gnomAD v4.1: 1 of 1,614,186 alleles (0.000062%); highest among the groups gnomAD compares: Non-Finnish European, 0.000085%; no homozygotes.

Submission:

GeneDx
Classification: Uncertain significance. Last evaluated: 2017-01-11. Review status: criteria provided, single submitter. Criteria: GeneDx Variant Classification (06012015). Collection method: clinical testing. Allele origin: germline. Affected: yes.
Comment: This variant is denoted CDH1 c.634G>A at the cDNA level, p.Gly212Arg (G212R) at the protein level, and results in the change of a Glycine to an Arginine (GGA>AGA). This variant has not, to our knowledge, been published in the literature as pathogenic or benign. CDH1 Gly212Arg was not observed in approximately 6,500 individuals of European and African American ancestry in the NHLBI Exome Sequencing Project, suggesting it is not a common benign variant in these populations. Since Glycine and Arginine differ in polarity, charge, size or other properties, this is considered a non-conservative amino acid substitution. CDH1 Gly212Arg occurs at a position that is conserved across species and is located in the cadherin 1 extracellular domain (Brooks-Wilson 2004, Figueiredo 2013). In silico analyses predict that this variant is probably damaging to protein structure and function. Based on currently available evidence, it is unclear whether CDH1 Gly212Arg is a pathogenic or benign variant. We consider it to be a variant of uncertain significance.

NM_004360.5(CDH1):c.634G>A (p.Gly212Arg)

Gene: CDH1 (cadherin 1; plus strand). Cytogenetic location: 16q22.1.
Variant type: single nucleotide variant.
Coding change: c.634G>A on transcript NM_004360.5 (MANE Select); coding-DNA position 634, G replaced by A.
Protein change: p.Gly212Arg; replaces glycine 212 with arginine.
Molecular consequence: missense variant. On other transcripts: 5 prime UTR variant (2).
Genome position (GRCh38, 1-based): chr16:68,808,795, G>A. VCF-style: chr16-68808795-G-A. GRCh37 (hg19) VCF-style: chr16-68842698-G-A.
Other names: c.634G>A (LRG_301t1); c.634G>A, p.Gly212Arg (NM_001317184.2); c.-982G>A (NM_001317185.2); c.-1186G>A (NM_001317186.2); short protein forms G212R.
Identifiers: ClinVar variation 423076 (VCV000423076.2), dbSNP rs1064796210, ClinGen allele CA16620238.